The following is an entry in ClinVar:

NM_016604.4(KDM3B):c.3854A>G (p.Asn1285Ser)

Gene: KDM3B (lysine demethylase 3B; plus strand). Cytogenetic location: 5q31.2.
Variant type: single nucleotide variant.
Coding change: c.3854A>G on transcript NM_016604.4 (MANE Select); coding-DNA position 3854, A replaced by G.
Protein change: p.Asn1285Ser; replaces asparagine 1285 with serine.
Molecular consequence: missense variant.
Genome position (GRCh38, 1-based): chr5:138,420,844, A>G. VCF-style: chr5-138420844-A-G. GRCh37 (hg19) VCF-style: chr5-137756533-A-G.
Other names: short protein forms N1285S.
Identifiers: ClinVar variation 3233541 (VCV003233541.2), dbSNP rs1232663348, ClinGen allele CA361090076.

ClinVar aggregate classification (germline): Uncertain significance (1 of 4 stars; one submission).

Allele frequency attached by ClinVar (database versions not stated): gnomAD exomes below 0.00001; TOPMed below 0.00001.
gnomAD v4.1: 2 of 1,614,094 alleles (0.00012%); highest among the groups gnomAD compares: African/African-American, 0.0013%; no homozygotes.

Submission:

Women's Health and Genetics/Laboratory Corporation of America, LabCorp
Classification: Uncertain significance. Last evaluated: 2024-03-29. Review status: criteria provided, single submitter. Criteria: LabCorp Variant Classification Summary - May 2015. Collection method: clinical testing. Allele origin: germline.
Comment: Variant summary: KDM3B c.3854A>G (p.Asn1285Ser) results in a conservative amino acid change in the encoded protein sequence. Five of five in-silico tools predict a benign effect of the variant on protein function. The variant was absent in 251462 control chromosomes. The available data on variant occurrences in the general population are insufficient to allow any conclusion about variant significance. To our knowledge, no occurrence of c.3854A>G in individuals affected with KDM3B-Related Disorders and no experimental evidence demonstrating its impact on protein function have been reported. No submitters have cited clinical-significance assessments for this variant to ClinVar. Based on the evidence outlined above, the variant was classified as uncertain significance.